The following is an entry in ClinVar:

NM_005450.6(NOG):c.142G>A (p.Glu48Lys)

Gene: NOG (noggin; plus strand). Cytogenetic location: 17q22.
Variant type: single nucleotide variant.
Coding change: c.142G>A on transcript NM_005450.6 (MANE Select); coding-DNA position 142, G replaced by A.
Protein change: p.Glu48Lys; replaces glutamic acid 48 with lysine.
Molecular consequence: missense variant.
Genome position (GRCh38, 1-based): chr17:56,594,365, G>A. VCF-style: chr17-56594365-G-A. GRCh37 (hg19) VCF-style: chr17-54671726-G-A.
Other names: short protein forms E48K.
Identifiers: ClinVar variation 1372352 (VCV001372352.8), dbSNP rs2145567107, ClinGen allele CA399964326.
Genomic context (GRCh38, chr17:56,594,365, plus strand): 5'-CAGCACTATCTCCACATCCGCCCGGCACCCAGCGACAACCTGCCCCTGGTGGACCTCATC[G>A]AACACCCAGACCCTATCTTTGACCCCAAGGAAAAGGATCTGAACGAGACGCTGCTGCGCT-3'
Protein context (NP_005441.1, residues 38-58): SDNLPLVDLI[Glu48Lys]HPDPIFDPKE

ClinVar aggregate classification (germline): Uncertain significance (1 of 4 stars; one submission).

Submission:

Labcorp Genetics (formerly Invitae), Labcorp
Classification: Uncertain significance. Last evaluated: 2022-08-15. Review status: criteria provided, single submitter. Criteria: Invitae Variant Classification Sherloc (09022015). Collection method: clinical testing. Allele origin: germline.
Comment: This sequence change replaces glutamic acid, which is acidic and polar, with lysine, which is basic and polar, at codon 48 of the NOG protein (p.Glu48Lys). ClinVar contains an entry for this variant (Variation ID: 1372352). This variant is not present in population databases (gnomAD no frequency). This missense change has been observed in individuals with clinical features of NOG-related symphalangism spectrum disorder (PMID: 15066478, 17668388; Invitae). Algorithms developed to predict the effect of missense changes on protein structure and function (SIFT, PolyPhen-2, Align-GVGD) all suggest that this variant is likely to be disruptive. In summary, the available evidence is currently insufficient to determine the role of this variant in disease. Therefore, it has been classified as a Variant of Uncertain Significance.

Literature cited by the submitters: PubMed 15066478; PubMed 17668388.